The following is an entry in ClinVar:

ClinVar aggregate classification (germline): Likely benign (1 of 4 stars; one submission).

gnomAD v4.1: 77 of 1,614,208 alleles (0.0048%); highest among the groups gnomAD compares: Middle Eastern, 0.017%; no homozygotes.

Submission:

CeGaT Center for Human Genetics Tuebingen
Classification: Likely benign. Last evaluated: 2026-05-01. Review status: criteria provided, single submitter. Criteria: CeGaT Center For Human Genetics Tuebingen Variant Classification Criteria Version 2. Collection method: clinical testing. Allele origin: germline. Affected: yes. Observed: 1 variant allele.
Comment: DPH1: BP4, BP7

NM_001383.6(DPH1):c.231G>A (p.Pro77=)

Gene: DPH1 (diphthamide biosynthesis 1; plus strand). Cytogenetic location: 17p13.3.
Variant type: single nucleotide variant.
Coding change: c.231G>A on transcript NM_001383.6 (MANE Select); coding-DNA position 231, G replaced by A.
Protein change: p.Pro77=; no amino-acid change (proline 77 retained).
Molecular consequence: synonymous variant. On other transcripts: 5 prime UTR variant (1), non-coding transcript variant (3).
Genome position (GRCh38, 1-based): chr17:2,033,795, G>A. VCF-style: chr17-2033795-G-A. GRCh37 (hg19) VCF-style: chr17-1937089-G-A.
Other names: c.246G>A, p.Pro82= (NM_001346574.1, NM_001346575.1); c.-53G>A (NM_001346576.2).
Identifiers: ClinVar variation 4872608 (VCV004872608.2).